The following is an entry in ClinVar:

NM_032043.3(BRIP1):c.1114_1115delinsA (p.Leu372fs)

Gene: BRIP1 (BRCA1 interacting DNA helicase 1; minus strand). Cytogenetic location: 17q23.2.
Variant type: Indel.
Coding change: c.1114_1115delinsA on transcript NM_032043.3 (MANE Select); coding-DNA positions 1114 to 1115, CT replaced by A.
Protein change: p.Leu372fs; shifts the reading frame from leucine 372.
Molecular consequence: frameshift variant.
Genome position (GRCh38, 1-based): chr17:61,801,278-61,801,279, AG replaced by T on the plus strand (CT replaced by A on the coding strand, the reverse complement: BRIP1 is on the minus strand). VCF-style: chr17-61801278-AG-T. GRCh37 (hg19) VCF-style: chr17-59878639-AG-T.
Other names: c.1114_1116delCTTinsAT (NM_032043.2); short protein forms L372fs.
Identifiers: ClinVar variation 664535 (VCV000664535.10), dbSNP rs587783377, ClinGen allele CA167356.

ClinVar aggregate classification (germline): Pathogenic. Review status: criteria provided, multiple submitters, no conflicts (2 of 4 stars). 3 submissions from 3 submitters: Pathogenic (3). Last evaluated 2023-06-01.

Conditions:
Familial cancer of breast. Also called: Hereditary breast cancer; BREAST CANCER, FAMILIAL; hereditary breast carcinoma. Identifiers: Orphanet 227535, MedGen C0346153, MONDO:0016419, OMIM 114480. Disease mechanism: loss of function.
Fanconi anemia complementation group J. Also called: BRIP1-Related Fanconi Anemia. Identifiers: Orphanet 84, MedGen C1836860, MONDO:0012187, OMIM 609054.
Hereditary cancer-predisposing syndrome. Also called: Neoplastic Syndromes, Hereditary; Hereditary neoplastic syndrome; Tumor predisposition; Hereditary Cancer Syndrome. Identifiers: Orphanet 140162, MedGen C0027672, MeSH D009386, MONDO:0015356.

Submissions (3):

Myriad Genetics, Inc.
Classification: Pathogenic for Familial cancer of breast. Last evaluated: 2023-06-01. Review status: criteria provided, single submitter. Criteria: Myriad Autosomal Dominant, Autosomal Recessive and X-Linked Classification Criteria (2023). Collection method: clinical testing. Allele origin: unknown.
Comment: This variant is considered pathogenic. This variant creates a frameshift predicted to result in premature protein truncation.

Labcorp Genetics (formerly Invitae), Labcorp
Classification: Pathogenic for Familial cancer of breast; Fanconi anemia complementation group J. Last evaluated: 2018-11-17. Review status: criteria provided, single submitter. Criteria: Invitae Variant Classification Sherloc (09022015). Collection method: clinical testing. Allele origin: germline.
Comment: For these reasons, this variant has been classified as Pathogenic. Loss-of-function variants in BRIP1 are known to be pathogenic (PMID: 16116423, 17033622, 21964575). This variant has not been reported in the literature in individuals with BRIP1-related disease. This variant is not present in population databases (ExAC no frequency). This sequence change creates a premature translational stop signal (p.Leu372Ilefs*2) in the BRIP1 gene. It is expected to result in an absent or disrupted protein product.

Ambry Genetics
Classification: Pathogenic for Hereditary cancer-predisposing syndrome. Last evaluated: 2013-11-18. Review status: criteria provided, single submitter. Criteria: Ambry Autosomal Dominant and X-Linked criteria (10/2015). Collection method: clinical testing. Allele origin: germline. Observed: 1 variant allele.
Comment: Ã¢â‚¬â€¹The c.1114_1116delCTTinsAT pathogenic mutation, located in coding exon 7 of the BRIP1 gene, results from the deletion of three nucleotides and the insertion of two nucleotides, causing a translational frameshift with a predicted alternate stop codon. Since frameshifts are typically deleterious in nature, this alteration is interpreted as a disease-causing mutation (ACMG Recommendations for Standards for Interpretation and Reporting of Sequence Variations. Revision 2007. Genet Med. 2008;10:294).

Literature cited by the submitters: PubMed 16116423 (cited by Labcorp Genetics (formerly Invitae), Labcorp); PubMed 17033622 (cited by Labcorp Genetics (formerly Invitae), Labcorp); PubMed 21964575 (cited by Labcorp Genetics (formerly Invitae), Labcorp).